The following is an entry in ClinVar:

ClinVar aggregate classification (germline): Likely pathogenic. Review status: criteria provided, single submitter (1 of 4 stars). 2 submissions from 1 submitter: Likely pathogenic (2). Last evaluated 2024-10-04.

Conditions:
Charcot-Marie-Tooth disease type 4B3. Also called: Charcot-Marie-Tooth Neuropathy Type 4B3; CHARCOT-MARIE-TOOTH DISEASE, DEMYELINATING, TYPE 4B3. Identifiers: Orphanet 363981, MedGen C3695063, MONDO:0014117, OMIM 615284.
Charcot-Marie-Tooth disease. Also called: Charcot-Marie-Tooth Neuropathy; Charcot-Marie-Tooth Hereditary Neuropathy. Identifiers: Orphanet 166, MedGen C0007959, MONDO:0015626.

Submissions (2):

Dubai Health Genomic Medicine Center, Dubai Health
Classification: Likely pathogenic for Charcot-Marie-Tooth disease. Last evaluated: 2024-10-04. Review status: criteria provided, single submitter. Criteria: ACMG Guidelines, 2015. Collection method: research. Allele origin: germline. Affected: yes.
Comment: PVS1, PM2

Dubai Health Genomic Medicine Center, Dubai Health
Classification: Likely pathogenic for Charcot-Marie-Tooth disease type 4B3. Last evaluated: 2020-09-02. Review status: criteria provided, single submitter. Criteria: ACMG Guidelines, 2015. Collection method: clinical testing. Allele origin: germline. Affected: yes.
Comment: The Tyr1821* variant in SBF1 has not been previously reported in patients and was absent from large population studies such as the Genome Aggregation Database (gnomAD) and the Greater Middle East (GME) Variome database. This nonsense variant leads to a premature termination codon at position 1821 which is then predicted to lead to a truncated or absent protein. In summary this variant meets our criteria to be classified as likely pathogenic.

NM_002972.4(SBF1):c.5463C>G (p.Tyr1821Ter)

Gene: SBF1 (SET binding factor 1; minus strand). Cytogenetic location: 22q13.33.
Variant type: single nucleotide variant.
Coding change: c.5463C>G on transcript NM_002972.4 (MANE Select); coding-DNA position 5463, C replaced by G.
Protein change: p.Tyr1821Ter; replaces tyrosine 1821 with a stop codon.
Molecular consequence: nonsense.
Genome position (GRCh38, 1-based): chr22:50,447,442, G>C on the plus strand (C>G on the coding strand, the complement: SBF1 is on the minus strand). VCF-style: chr22-50447442-G-C. GRCh37 (hg19) VCF-style: chr22-50885871-G-C.
Other names: c.5388C>G, p.Tyr1796Ter (NM_001365819.1); short protein forms Y1796*, Y1821*.
Identifiers: ClinVar variation 1301645 (VCV001301645.3), dbSNP rs144773853, ClinGen allele CA412184537.
Genomic context (GRCh38, chr22:50,447,442, plus strand): 5'-CACAGCCTCCACCTCCGCCAAGTCGATGACACCCTTGCACTCTGTGTCCACACGGTGGTC[G>C]TAGTAGCGCAGCTGGAGGAGGCCACAGAGTCAGCGGAGCCCCCTCCCCCGTGAGTCCCCC-3'